The following is an entry in ClinVar:

NM_001370259.2(MEN1):c.1186-7C>T

Gene: MEN1 (menin 1; minus strand). Cytogenetic location: 11q13.1.
Variant type: single nucleotide variant.
Coding change: c.1186-7C>T on transcript NM_001370259.2 (MANE Select); 7 bases into the intron before coding-DNA position 1186, C replaced by T.
Molecular consequence: intron variant.
Genome position (GRCh38, 1-based): chr11:64,805,205, G>A on the plus strand (C>T on the coding strand, the complement: MEN1 is on the minus strand). VCF-style: chr11-64805205-G-A. GRCh37 (hg19) VCF-style: chr11-64572677-G-A.
Other names: c.1201-7C>T (NM_130804.3, NM_130803.3, NM_000244.4 and 3 more transcripts); c.1186-7C>T (NM_130799.3, NM_001370260.2, NM_001370261.2); c.1312-7C>T (NM_001370251.2); c.1081-7C>T (NM_001370263.2, NM_001370262.2).
Identifiers: ClinVar variation 136165 (VCV000136165.13), dbSNP rs587780842, ClinGen allele CA009074.
Genomic context (GRCh38, chr11:64,805,205, plus strand): 5'-CAGGTGGGCGAAGCACTCAGGGTCCTGGAGGGCGGAACCTTGGCTCTGGGTGCCCTGGAC[G>A]AGGGGGAAGGGAGGGCACAGATCAGTCTCTTACTCACCCCTTAGCAGAGGGCACAGGCCA-3'

ClinVar aggregate classification (germline): Likely benign. Review status: criteria provided, multiple submitters, no conflicts (2 of 4 stars). 3 submissions from 3 submitters: Likely benign (3). Last evaluated 2026-02-02.

Conditions:
Multiple endocrine neoplasia, type 1 (MEN1). Also called: Endocrine adenomatosis multiple; MEN 1; MEN I; WERMER SYNDROME; MEA I. Identifiers: Orphanet 652, MedGen C0025267, MeSH D018761, MONDO:0007540, OMIM 131100.

Allele frequency attached by ClinVar (database versions not stated): gnomAD 0.00002; gnomAD exomes 0.00002; TOPMed 0.00002.

Submissions (3):

Labcorp Genetics (formerly Invitae), Labcorp
Classification: Likely benign for Multiple endocrine neoplasia, type 1. Last evaluated: 2026-02-02. Review status: criteria provided, single submitter. Criteria: Invitae Variant Classification Sherloc (09022015). Collection method: clinical testing. Allele origin: germline.

Myriad Genetics, Inc.
Classification: Likely benign for Multiple endocrine neoplasia, type 1. Last evaluated: 2024-11-05. Review status: criteria provided, single submitter. Criteria: Myriad Autosomal Dominant, Autosomal Recessive and X-Linked Classification Criteria (2023). Collection method: clinical testing. Allele origin: unknown.
Comment: This variant is considered likely benign. This variant is intronic and is not expected to impact mRNA splicing.

Color Diagnostics, LLC DBA Color Health
Classification: Likely benign for Multiple endocrine neoplasia, type 1. Last evaluated: 2023-02-14. Review status: criteria provided, single submitter. Criteria: ACMG Guidelines, 2015. Collection method: clinical testing. Allele origin: germline.